The following is an entry in ClinVar:

NM_000539.3(RHO):c.1040C>A (p.Pro347Gln)

Gene: RHO (rhodopsin; plus strand). Cytogenetic location: 3q22.1.
Variant type: single nucleotide variant.
Coding change: c.1040C>A on transcript NM_000539.3 (MANE Select); coding-DNA position 1040, C replaced by A.
Protein change: p.Pro347Gln; replaces proline 347 with glutamine.
Molecular consequence: missense variant.
Genome position (GRCh38, 1-based): chr3:129,533,711, C>A. VCF-style: chr3-129533711-C-A. GRCh37 (hg19) VCF-style: chr3-129252554-C-A.
Other names: short protein forms P347Q.
Identifiers: ClinVar variation 13053 (VCV000013053.7), dbSNP rs29001566, ClinGen allele CA256694.

ClinVar aggregate classification (germline): Pathogenic. Review status: criteria provided, multiple submitters, no conflicts (2 of 4 stars). 3 submissions from 3 submitters: Pathogenic (2). 1 of the submissions does not count toward it. Last evaluated 2023-11-27.

Conditions:
RHO-related disorder. Also called: RHO-related condition.
Retinitis pigmentosa 4 (RP4). Also called: RETINITIS PIGMENTOSA, RHODOPSIN-RELATED. Identifiers: Orphanet 791, MedGen C3151001, MONDO:0013395, OMIM 613731.

Submissions (3):

Labcorp Genetics (formerly Invitae), Labcorp
Classification: Pathogenic. Last evaluated: 2023-11-27. Review status: criteria provided, single submitter. Criteria: Invitae Variant Classification Sherloc (09022015). Collection method: clinical testing. Allele origin: germline.
Comment: This sequence change replaces proline, which is neutral and non-polar, with glutamine, which is neutral and polar, at codon 347 of the RHO protein (p.Pro347Gln). This variant is not present in population databases (gnomAD no frequency). This missense change has been observed in individuals with autosomal dominant retinitis pigmentosa (PMID: 8088850, 23288993). It has also been observed to segregate with disease in related individuals. ClinVar contains an entry for this variant (Variation ID: 13053). Advanced modeling of protein sequence and biophysical properties (such as structural, functional, and spatial information, amino acid conservation, physicochemical variation, residue mobility, and thermodynamic stability) performed at Invitae indicates that this missense variant is expected to disrupt RHO protein function with a positive predictive value of 95%. This variant disrupts the p.Pro347 amino acid residue in RHO. Other variant(s) that disrupt this residue have been determined to be pathogenic (PMID: 1840561, 26962691). This suggests that this residue is clinically significant, and that variants that disrupt this residue are likely to be disease-causing. For these reasons, this variant has been classified as Pathogenic.

Blueprint Genetics
Classification: Pathogenic for RHO-related disorders. Last evaluated: 2019-11-28. Review status: criteria provided, single submitter. Criteria: ACMG Guidelines, 2015. Collection method: clinical testing. Allele origin: germline. Affected: yes. Observed: 2 variant alleles.

OMIM
Classification: Pathogenic for RETINITIS PIGMENTOSA 4. Last evaluated: 2001-08-01. Review status: no assertion criteria provided. Collection method: literature only. Allele origin: germline. Not counted in ClinVar's aggregate classification.

Literature cited by the submitters: PubMed 8088850 (cited by Labcorp Genetics (formerly Invitae), Labcorp and OMIM); PubMed 23288993 (cited by Labcorp Genetics (formerly Invitae), Labcorp); PubMed 1840561 (cited by Labcorp Genetics (formerly Invitae), Labcorp); PubMed 26962691 (cited by Labcorp Genetics (formerly Invitae), Labcorp); PubMed 11910130 (cited by OMIM).